The following is an entry in ClinVar:

NM_000179.3(MSH6):c.730C>A (p.Gln244Lys)

Gene: MSH6 (mutS homolog 6; plus strand). Cytogenetic location: 2p16.3.
Variant type: single nucleotide variant.
Coding change: c.730C>A on transcript NM_000179.3 (MANE Select); coding-DNA position 730, C replaced by A.
Protein change: p.Gln244Lys; replaces glutamine 244 with lysine.
Molecular consequence: missense variant. On other transcripts: 5 prime UTR variant (2).
Genome position (GRCh38, 1-based): chr2:47,798,713, C>A. VCF-style: chr2-47798713-C-A. GRCh37 (hg19) VCF-style: chr2-48025852-C-A.
Other names: c.340C>A, p.Gln114Lys (NM_001281492.2); c.-177C>A (NM_001281493.2, NM_001281494.2, NM_001406811.1 and 6 more transcripts); c.826C>A, p.Gln276Lys (NM_001406795.1, NM_001406802.1); c.730C>A, p.Gln244Lys (NM_001406796.1, NM_001406798.1, NM_001406800.1 and 4 more transcripts); c.433C>A, p.Gln145Lys (NM_001406797.1, NM_001406801.1, NM_001406805.1 and 10 more transcripts); c.205C>A, p.Gln69Lys (NM_001406799.1, NM_001406806.1, NM_001406807.1); c.652C>A, p.Gln218Lys (NM_001406804.1); c.736C>A, p.Gln246Lys (NM_001406813.1); and 1 more; short protein forms Q114K, Q246K, Q276K, Q69K, Q218K, Q145K, Q188K, Q244K.
Identifiers: ClinVar variation 1758247 (VCV001758247.3), dbSNP rs267608066, ClinGen allele CA346740032.
Genomic context (GRCh38, chr2:47,798,713, plus strand): 5'-GAAATTGAGAGTGAAGAGGAAGTACAGCCTAAGACACAAGGATCTAGGCGAAGTAGCCGC[C>A]AAATAAAAAAACGAAGGGTCATATCAGATTCTGAGAGTGACATTGGTGGCTCTGATGTGG-3'
Protein context (NP_000170.1, residues 234-254): KTQGSRRSSR[Gln244Lys]IKKRRVISDS

ClinVar aggregate classification (germline): Uncertain significance (1 of 4 stars; one submission).

Conditions:
Hereditary cancer-predisposing syndrome. Also called: Neoplastic Syndromes, Hereditary; Tumor predisposition; Hereditary Cancer Syndrome; Hereditary neoplastic syndrome. Identifiers: Orphanet 140162, MedGen C0027672, MeSH D009386, MONDO:0015356.

Submission:

Ambry Genetics
Classification: Uncertain significance for Hereditary cancer-predisposing syndrome. Last evaluated: 2025-07-08. Review status: criteria provided, single submitter. Criteria: Ambry Variant Classification Scheme 2023. Collection method: clinical testing. Allele origin: germline.
Comment: The p.Q244K variant (also known as c.730C>A), located in coding exon 4 of the MSH6 gene, results from a C to A substitution at nucleotide position 730. The glutamine at codon 244 is replaced by lysine, an amino acid with similar properties. This amino acid position is conserved. In addition, this alteration is predicted to be tolerated by in silico analysis. Since supporting evidence is limited at this time, the clinical significance of this alteration remains unclear.